The following is an entry in ClinVar:

ClinVar aggregate classification (germline): Pathogenic (1 of 4 stars; one submission).

Conditions:
Familial adenomatous polyposis 1 (FAP1). Also called: POLYPOSIS, ADENOMATOUS INTESTINAL; FAMILIAL ADENOMATOUS POLYPOSIS 1, ATTENUATED. Identifiers: MedGen C2713442, MONDO:0021056, OMIM 175100. Disease mechanism: loss of function.

Submission:

Myriad Genetics, Inc.
Classification: Pathogenic for Familial adenomatous polyposis 1. Last evaluated: 2023-05-11. Review status: criteria provided, single submitter. Criteria: Myriad Autosomal Dominant, Autosomal Recessive and X-Linked Classification Criteria (2023). Collection method: clinical testing. Allele origin: unknown.
Comment: This variant is considered pathogenic. This variant creates a frameshift predicted to result in premature protein truncation.

NM_000038.6(APC):c.4555del (p.Asp1519fs)

Gene: APC (APC regulator of Wnt signaling pathway; plus strand). Cytogenetic location: 5q22.2.
Variant type: Deletion.
Coding change: c.4555del on transcript NM_000038.6 (MANE Select); coding-DNA position 4555, one base deleted (G; older notation c.4555delG).
Protein change: p.Asp1519fs; shifts the reading frame from aspartic acid 1519.
Molecular consequence: frameshift variant. On other transcripts: non-coding transcript variant (2).
Genome position (GRCh38, 1-based): chr5:112,840,149, G deleted. VCF-style (leftmost placement, unchanged base first): chr5-112840148-AG-A. GRCh37 (hg19) VCF-style: chr5-112175845-AG-A.
Other names: c.4555del, p.Asp1519fs (NM_001127510.3, NM_001354895.2, NM_001407450.1); c.4501del, p.Asp1501fs (NM_001127511.3); c.4609del, p.Asp1537fs (NM_001354896.2, NM_001407447.1, NM_001407448.1 and 1 more transcripts); c.4585del, p.Asp1529fs (NM_001354897.2); c.4480del, p.Asp1494fs (NM_001354898.2); c.4471del, p.Asp1491fs (NM_001354899.2); c.4432del, p.Asp1478fs (NM_001354900.2); c.4378del, p.Asp1460fs (NM_001354901.2, NM_001407453.1); and 11 more; short protein forms D1135fs, D1236fs, D1359fs, D1390fs, D1393fs, D1418fs, D1428fs, D1436fs.
Identifiers: ClinVar variation 2583487 (VCV002583487.1), dbSNP rs2533582305, ClinGen allele CA645543949.
Genomic context (GRCh38, chr5:112,840,148, plus strand): 5'-TGGATTTTCTTGTTCATCCAGCCTGAGTGCTCTGAGCCTCGATGAGCCATTTATACAGAA[AG>A]ATGTGGAATTAAGAATAATGCCTCCAGTTCAGGAAAATGACAATGGGAATGAAACAGAAT-3'